The following is an entry in ClinVar:

ClinVar aggregate classification (germline): Pathogenic/Likely pathogenic. Review status: criteria provided, multiple submitters, no conflicts (2 of 4 stars). 7 submissions from 7 submitters: Pathogenic (4); Likely pathogenic (1). 2 of the submissions do not count toward it. Last evaluated 2025-10-04.

Conditions:
Niemann-Pick disease, type C1. Also called: NIEMANN-PICK DISEASE, VARIANT TYPE C1; NEUROVISCERAL STORAGE DISEASE WITH VERTICAL SUPRANUCLEAR OPHTHALMOPLEGIA; NIEMANN-PICK DISEASE WITH CHOLESTEROL ESTERIFICATION BLOCK; NIEMANN-PICK DISEASE WITHOUT SPHINGOMYELINASE DEFICIENCY; NIEMANN-PICK DISEASE, CHRONIC NEURONOPATHIC FORM. Identifiers: Orphanet 646, MedGen C3179455, MONDO:0009757, OMIM 257220.

Allele frequency attached by ClinVar (database versions not stated): gnomAD exomes 0.00001 and below 0.00001; ExAC 0.00001; TOPMed 0.00002.
gnomAD v4.1: 5 of 1,614,162 alleles (0.00031%); highest among the groups gnomAD compares: Admixed American, 0.0017%; no homozygotes.

Submissions (7):

Dasa
Classification: Pathogenic. Last evaluated: 2025-10-04. Review status: criteria provided, single submitter. Criteria: DASA Assertion Criteria. Collection method: clinical testing. Allele origin: germline.
Comment: NM_000271.5(NPC1):c.3104C>T (p.Ala1035Val) is a missense variant that results in the substitution of alanine with valine. The affected residue or protein region has prior evidence supporting clinical relevance. This variant has been recurrently observed in affected individuals with related phenotype in a genotype context consistent with recessive disease (PMID: 11479732; PMID: 16098014; PMID: 20718790; PMID: 25989649; PMID: 31197681). Functional evidence supports a deleterious effect on the gene or gene product (PMID: 11479732; PMID: 16098014; PMID: 20718790; PMID: 25989649; PMID: 31197681). Multiple computational predictions support a deleterious effect on the gene or gene product. The variant is present at low frequency in population datasets. Based on the available data, this variant is classified as pathogenic.

Labcorp Genetics (formerly Invitae), Labcorp
Classification: Pathogenic for Niemann-Pick disease, type C1. Last evaluated: 2025-10-01. Review status: criteria provided, single submitter. Criteria: Invitae Variant Classification Sherloc (09022015). Collection method: clinical testing. Allele origin: germline.
Comment: This sequence change replaces alanine, which is neutral and non-polar, with valine, which is neutral and non-polar, at codon 1035 of the NPC1 protein (p.Ala1035Val). This variant is present in population databases (rs28942107, gnomAD 0.003%). This missense change has been observed in individual(s) with Niemann-Pick disease type C (PMID: 11479732, 16098014, 23183285; internal data). ClinVar contains an entry for this variant (Variation ID: 2972). Invitae Evidence Modeling of protein sequence and biophysical properties (such as structural, functional, and spatial information, amino acid conservation, physicochemical variation, residue mobility, and thermodynamic stability) indicates that this missense variant is expected to disrupt NPC1 protein function with a positive predictive value of 95%. For these reasons, this variant has been classified as Pathogenic.

Natera, Inc.
Classification: Pathogenic for Niemann-Pick disease type C1. Last evaluated: 2025-05-08. Review status: criteria provided, single submitter. Criteria: Natera Variant Classification Schema (03/2026). Collection method: clinical testing. Allele origin: germline.
Comment: The c.3104C>T variant in NPC1 is a missense variant predicted to cause substitution of alanine to valine at amino acid 1035. This variant is rare in the general population with a frequency below the threshold expected for the associated phenotype(s). This variant has been observed in one or more individuals affected with the associated recessive disease, as either homozygous or compound heterozygous with a second variant (PMID: 26981555, 11479732, 16098014). Computational prediction algorithms indicate this variant is likely to affect gene or protein function. Given the available evidence, this variant is classified as Pathogenic.

Fulgent Genetics
Classification: Likely pathogenic for Niemann-Pick disease, type C1. Last evaluated: 2022-02-26. Review status: criteria provided, single submitter. Criteria: ACMG Guidelines, 2015. Collection method: clinical testing. Allele origin: unknown.

Eurofins Ntd Llc (ga)
Classification: Pathogenic. Last evaluated: 2012-07-02. Review status: criteria provided, single submitter. Criteria: EGL Classification Definitions. Collection method: clinical testing. Allele origin: germline. Observed: 2 variant alleles, 2 heterozygotes.

Counsyl
Classification: Likely pathogenic for Niemann-Pick disease, type C1. Last evaluated: 2016-09-28. Review status: no assertion criteria provided. Collection method: clinical testing. Allele origin: unknown. Not counted in ClinVar's aggregate classification.

OMIM
Classification: Pathogenic for NIEMANN-PICK DISEASE, TYPE C1. Last evaluated: 2001-07-01. Review status: no assertion criteria provided. Collection method: literature only. Allele origin: germline. Not counted in ClinVar's aggregate classification.

Literature cited by the submitters: PubMed 11479732 (cited by 5 submitters); PubMed 16098014 (cited by 4 submitters); PubMed 20718790 (cited by Dasa and Counsyl); PubMed 25989649 (cited by Dasa); PubMed 31197681 (cited by Dasa); PubMed 24676439 (cited by Dasa); PubMed 37433892 (cited by Dasa); PubMed 23183285 (cited by Labcorp Genetics (formerly Invitae), Labcorp); PubMed 26981555 (cited by Natera, Inc.); PubMed 12955717 (cited by Counsyl).

NM_000271.5(NPC1):c.3104C>T (p.Ala1035Val)

Gene: NPC1 (NPC intracellular cholesterol transporter 1; minus strand). Cytogenetic location: 18q11.2.
Variant type: single nucleotide variant.
Coding change: c.3104C>T on transcript NM_000271.5 (MANE Select); coding-DNA position 3104, C replaced by T.
Protein change: p.Ala1035Val; replaces alanine 1035 with valine.
Molecular consequence: missense variant.
Genome position (GRCh38, 1-based): chr18:23,536,814, G>A on the plus strand (C>T on the coding strand, the complement: NPC1 is on the minus strand). VCF-style: chr18-23536814-G-A. GRCh37 (hg19) VCF-style: chr18-21116778-G-A.
Other names: short protein forms A1035V.
Identifiers: ClinVar variation 2972 (VCV000002972.29), dbSNP rs28942107, ClinGen allele CA220563.